The following is an entry in ClinVar:

ClinVar aggregate classification (germline): Uncertain significance (1 of 4 stars; one submission).

Conditions:
Hereditary cancer-predisposing syndrome. Also called: Neoplastic Syndromes, Hereditary; Tumor predisposition; Hereditary Cancer Syndrome; Hereditary neoplastic syndrome. Identifiers: Orphanet 140162, MedGen C0027672, MeSH D009386, MONDO:0015356.

gnomAD v4.1: 1 of 1,614,154 alleles (0.000062%); highest among the groups gnomAD compares: African/African-American, 0.0013%; no homozygotes.

Submission:

Ambry Genetics
Classification: Uncertain significance for Hereditary cancer-predisposing syndrome. Last evaluated: 2014-03-04. Review status: criteria provided, single submitter. Criteria: Ambry Autosomal Dominant and X-Linked criteria (10/2015). Collection method: clinical testing. Allele origin: germline. Observed: 1 variant allele.
Comment: There is insufficient or conflicting evidence for classification of this alteration.

NM_001042492.3(NF1):c.5064G>T (p.Glu1688Asp)

Gene: NF1 (neurofibromin 1; plus strand). Cytogenetic location: 17q11.2.
Variant type: single nucleotide variant.
Coding change: c.5064G>T on transcript NM_001042492.3 (MANE Select); coding-DNA position 5064, G replaced by T.
Protein change: p.Glu1688Asp; replaces glutamic acid 1688 with aspartic acid.
Molecular consequence: missense variant.
Genome position (GRCh38, 1-based): chr17:31,326,048, G>T. VCF-style: chr17-31326048-G-T. GRCh37 (hg19) VCF-style: chr17-29653066-G-T.
Other names: c.5001G>T, p.Glu1667Asp (NM_000267.4); short protein forms E1667D, E1688D.
Identifiers: ClinVar variation 141367 (VCV000141367.3), dbSNP rs587781693, ClinGen allele CA165233.